The following is an entry in ClinVar:

NM_020166.5(MCCC1):c.295G>A (p.Gly99Ser)

Gene: MCCC1 (methylcrotonyl-CoA carboxylase subunit 1; minus strand). Cytogenetic location: 3q27.1.
Variant type: single nucleotide variant.
Coding change: c.295G>A on transcript NM_020166.5 (MANE Select); coding-DNA position 295, G replaced by A.
Protein change: p.Gly99Ser; replaces glycine 99 with serine.
Molecular consequence: missense variant. On other transcripts: synonymous variant (1), 5 prime UTR variant (1), non-coding transcript variant (1).
Genome position (GRCh38, 1-based): chr3:183,086,767, C>T on the plus strand (G>A on the coding strand, the complement: MCCC1 is on the minus strand). VCF-style: chr3-183086767-C-T. GRCh37 (hg19) VCF-style: chr3-182804555-C-T.
Other names: c.66G>A, p.Ser22= (NM_001293273.2); c.-33G>A (NM_001363880.1); short protein forms G99S.
Identifiers: ClinVar variation 656280 (VCV000656280.14), dbSNP rs375244642, ClinGen allele CA2719115.

ClinVar aggregate classification (germline): Conflicting classifications of pathogenicity. Review status: criteria provided, conflicting classifications (1 of 4 stars). 4 submissions from 4 submitters: Pathogenic (1); Likely pathogenic (1); Uncertain significance (2). Last evaluated 2025-07-25.

Conditions:
3-methylcrotonyl-CoA carboxylase 1 deficiency (MCC1D). Also called: MCC 1 deficiency; 3 Alpha methylcrotonylglycinuria 1; MCCD TYPE 1; METHYLCROTONYLGLYCINURIA TYPE I. Identifiers: Orphanet 6, MedGen CN028786, MONDO:0008861, OMIM 210200.
MCCC1-related disorder. Also called: MCCC1-related condition.

Allele frequency attached by ClinVar (database versions not stated): gnomAD exomes 0.00002; ExAC 0.00003; TOPMed 0.00004; ESP Exome Variant Server 0.00008.
gnomAD v4.1: 43 of 1,613,918 alleles (0.0027%); highest among the groups gnomAD compares: East Asian, 0.0045%; no homozygotes.

Submissions (4):

Natera, Inc.
Classification: Likely pathogenic for 3-methylcrotonyl-CoA carboxylase 1 deficiency. Last evaluated: 2025-07-25. Review status: criteria provided, single submitter. Criteria: Natera Variant Classification Schema (03/2026). Collection method: clinical testing. Allele origin: germline.
Comment: The c.295G>A variant in MCCC1 is a missense variant predicted to cause substitution of glycine to serine at amino acid 99. This variant is rare in the general population with a frequency below the threshold expected for the associated phenotype(s). This variant has been observed in one or more individuals affected with the associated recessive disease, as either homozygous or compound heterozygous with a second variant (PMID: 36822454). Computational prediction algorithms indicate this variant is likely to affect gene or protein function. Given the available evidence, this variant is classified as Likely Pathogenic.

PreventionGenetics, part of Exact Sciences
Classification: Uncertain significance for MCCC1-related condition. Last evaluated: 2025-07-24. Review status: criteria provided, single submitter. Criteria: ACMG Guidelines, 2015. Collection method: clinical testing. Allele origin: germline.
Comment: The MCCC1 c.295G>A variant is predicted to result in the amino acid substitution p.Gly99Ser. This variant has been reported with a second plausible pathogenic variant in at least two individuals with 3-methylcrotonyl-CoA carboxylase deficiency (Wang et al. 2019. PubMed ID: 31730530; Suppl. Table 4, Yang et al. 2019. PubMed ID: 30838026; Cheng et al. 2023. PubMed ID: 36822454) and at least in one individual it is in trans with a pathogenic variant (Suppl. Table 4, Yang et al. 2019. PubMed ID: 30838026). This variant is reported in 0.016% of alleles in individuals of East Asian descent in gnomAD. Although we suspect that this variant may be pathogenic, at this time, the clinical significance of this variant is uncertain due to the absence of conclusive functional and genetic evidence.

Labcorp Genetics (formerly Invitae), Labcorp
Classification: Pathogenic for 3-methylcrotonyl-CoA carboxylase 1 deficiency. Last evaluated: 2025-04-14. Review status: criteria provided, single submitter. Criteria: Invitae Variant Classification Sherloc (09022015). Collection method: clinical testing. Allele origin: germline.
Comment: This sequence change replaces glycine, which is neutral and non-polar, with serine, which is neutral and polar, at codon 99 of the MCCC1 protein (p.Gly99Ser). This variant is present in population databases (rs375244642, gnomAD 0.02%). This missense change has been observed in individual(s) with 3 Methylcrotonyl-CoA carboxylase deficiency (PMID: 25190158, 31730530, 36822454; Internal data, internal data). In at least one individual the data is consistent with being in trans (on the opposite chromosome) from a pathogenic variant. ClinVar contains an entry for this variant (Variation ID: 656280). Invitae Evidence Modeling of protein sequence and biophysical properties (such as structural, functional, and spatial information, amino acid conservation, physicochemical variation, residue mobility, and thermodynamic stability) indicates that this missense variant is expected to disrupt MCCC1 protein function with a positive predictive value of 80%. For these reasons, this variant has been classified as Pathogenic.

Women's Health and Genetics/Laboratory Corporation of America, LabCorp
Classification: Uncertain significance. Last evaluated: 2024-07-31. Review status: criteria provided, single submitter. Criteria: LabCorp Variant Classification Summary - May 2015. Collection method: clinical testing. Allele origin: germline.
Comment: Variant summary: MCCC1 c.295G>A (p.Gly99Ser) results in a non-conservative amino acid change located in the biotin carboxylase-like, N-terminal domain (IPR005481) of the encoded protein sequence. Five of five in-silico tools predict a damaging effect of the variant on protein function. The variant allele was found at a frequency of 2.4e-05 in 251214 control chromosomes. c.295G>A has been reported in the literature in individuals identified through newborn screening programs as affected with Methylcrotonyl-CoA Carboxylase Deficiency, including at least one case where it was found in trans with a pathogenic variant (e.g. Ye_2014, Wang_2019, Yang_2019, Cheng_2023). These data indicate that the variant may be associated with disease. To our knowledge, no experimental evidence demonstrating an impact on protein function has been reported. The following publications have been ascertained in the context of this evaluation (PMID: 36822454, 31730530, 30838026, 25190158). ClinVar contains an entry for this variant (Variation ID: 656280). Based on the evidence outlined above, the variant was classified as VUS-possibly pathogenic.

Literature cited by the submitters: PubMed 36822454 (cited by 3 submitters); PubMed 25190158 (cited by Labcorp Genetics (formerly Invitae), Labcorp and Women's Health and Genetics/Laboratory Corporation of America, LabCorp); PubMed 31730530 (cited by Labcorp Genetics (formerly Invitae), Labcorp and Women's Health and Genetics/Laboratory Corporation of America, LabCorp); PubMed 30838026 (cited by Women's Health and Genetics/Laboratory Corporation of America, LabCorp).